The following is an entry in ClinVar:

NM_001232.4(CASQ2):c.271T>C (p.Phe91Leu)

Gene: CASQ2 (calsequestrin 2; minus strand). Cytogenetic location: 1p13.1.
Variant type: single nucleotide variant.
Coding change: c.271T>C on transcript NM_001232.4 (MANE Select); coding-DNA position 271, T replaced by C.
Protein change: p.Phe91Leu; replaces phenylalanine 91 with leucine.
Molecular consequence: missense variant.
Genome position (GRCh38, 1-based): chr1:115,744,876, A>G on the plus strand (T>C on the coding strand, the complement: CASQ2 is on the minus strand). VCF-style: chr1-115744876-A-G. GRCh37 (hg19) VCF-style: chr1-116287497-A-G.
Other names: short protein forms F91L.
Identifiers: ClinVar variation 1437784 (VCV001437784.9), dbSNP rs1181984320, ClinGen allele CA341765449.

ClinVar aggregate classification (germline): Uncertain significance. Review status: criteria provided, multiple submitters, no conflicts (2 of 4 stars). 3 submissions from 3 submitters: Uncertain significance (3). Last evaluated 2025-05-29.

Conditions:
Catecholaminergic polymorphic ventricular tachycardia 2. Also called: CASQ2-Related Catecholaminergic Polymorphic Ventricular Tachycardia; VENTRICULAR TACHYCARDIA, STRESS-INDUCED POLYMORPHIC 2. Identifiers: Orphanet 3286, MedGen C2677794, MONDO:0012762, OMIM 611938.
Cardiovascular phenotype. Identifiers: MedGen CN230736.
Catecholaminergic polymorphic ventricular tachycardia 1. Also called: VENTRICULAR TACHYCARDIA, CATECHOLAMINERGIC POLYMORPHIC, 1, WITH OR WITHOUT ATRIAL DYSFUNCTION AND/OR DILATED CARDIOMYOPATHY; RYR2-Related Catecholaminergic Polymorphic Ventricular Tachycardia; VENTRICULAR TACHYCARDIA, STRESS-INDUCED POLYMORPHIC 1. Identifiers: Orphanet 3286, MedGen C1631597, MONDO:0011484, OMIM 604772.

Allele frequency attached by ClinVar (database versions not stated): TOPMed 0.00001.

Submissions (3):

Labcorp Genetics (formerly Invitae), Labcorp
Classification: Uncertain significance for Catecholaminergic polymorphic ventricular tachycardia 1. Last evaluated: 2025-05-29. Review status: criteria provided, single submitter. Criteria: Invitae Variant Classification Sherloc (09022015). Collection method: clinical testing. Allele origin: germline.
Comment: This sequence change replaces phenylalanine, which is neutral and non-polar, with leucine, which is neutral and non-polar, at codon 91 of the CASQ2 protein (p.Phe91Leu). This variant is not present in population databases (gnomAD no frequency). This variant has not been reported in the literature in individuals affected with CASQ2-related conditions. ClinVar contains an entry for this variant (Variation ID: 1437784). Invitae Evidence Modeling of protein sequence and biophysical properties (such as structural, functional, and spatial information, amino acid conservation, physicochemical variation, residue mobility, and thermodynamic stability) has been performed for this missense variant. However, the output from this modeling did not meet the statistical confidence thresholds required to predict the impact of this variant on CASQ2 protein function. In summary, the available evidence is currently insufficient to determine the role of this variant in disease. Therefore, it has been classified as a Variant of Uncertain Significance.

Genome-Nilou Lab
Classification: Uncertain significance for Catecholaminergic polymorphic ventricular tachycardia 2. Last evaluated: 2023-04-11. Review status: criteria provided, single submitter. Criteria: ACMG Guidelines, 2015. Collection method: clinical testing. Allele origin: germline. Affected: no.

Ambry Genetics
Classification: Uncertain significance for Cardiovascular phenotype. Last evaluated: 2021-12-03. Review status: criteria provided, single submitter. Criteria: Ambry Variant Classification Scheme 2023. Collection method: clinical testing. Allele origin: germline.
Comment: The p.F91L variant (also known as c.271T>C), located in coding exon 2 of the CASQ2 gene, results from a T to C substitution at nucleotide position 271. The phenylalanine at codon 91 is replaced by leucine, an amino acid with highly similar properties. This amino acid position is conserved. In addition, this alteration is predicted to be deleterious by in silico analysis. Since supporting evidence is limited at this time, the clinical significance of this alteration remains unclear.